The following is an entry in ClinVar:

NM_001286577.2(C2CD3):c.6455T>C (p.Val2152Ala)

Gene: C2CD3 (C2 domain containing 3 centriole elongation regulator; minus strand). Cytogenetic location: 11q13.4.
Variant type: single nucleotide variant.
Coding change: c.6455T>C on transcript NM_001286577.2 (MANE Select); coding-DNA position 6455, T replaced by C.
Protein change: p.Val2152Ala; replaces valine 2152 with alanine.
Molecular consequence: missense variant.
Genome position (GRCh38, 1-based): chr11:74,033,705, A>G on the plus strand (T>C on the coding strand, the complement: C2CD3 is on the minus strand). VCF-style: chr11-74033705-A-G. GRCh37 (hg19) VCF-style: chr11-73744750-A-G.
Other names: short protein forms V2152A.
Identifiers: ClinVar variation 2001247 (VCV002001247.4), dbSNP rs2496201323, ClinGen allele CA381820252.

ClinVar aggregate classification (germline): Uncertain significance (1 of 4 stars; one submission).

Submission:

Labcorp Genetics (formerly Invitae), Labcorp
Classification: Uncertain significance. Last evaluated: 2024-11-04. Review status: criteria provided, single submitter. Criteria: Invitae Variant Classification Sherloc (09022015). Collection method: clinical testing. Allele origin: germline.
Comment: This sequence change replaces valine, which is neutral and non-polar, with alanine, which is neutral and non-polar, at codon 2152 of the C2CD3 protein (p.Val2152Ala). This variant is not present in population databases (gnomAD no frequency). This variant has not been reported in the literature in individuals affected with C2CD3-related conditions. Experimental studies and prediction algorithms are not available or were not evaluated, and the functional significance of this variant is currently unknown. In summary, the available evidence is currently insufficient to determine the role of this variant in disease. Therefore, it has been classified as a Variant of Uncertain Significance.